The following is an entry in ClinVar:

ClinVar aggregate classification (germline): Conflicting classifications of pathogenicity. Review status: criteria provided, conflicting classifications (1 of 4 stars). 3 submissions from 3 submitters: Uncertain significance (1); Likely benign (1). 1 of the submissions does not count toward it. Last evaluated 2026-01-08.

Conditions:
Familial cancer of breast. Also called: BREAST CANCER, FAMILIAL; Hereditary breast cancer; hereditary breast carcinoma. Identifiers: Orphanet 227535, MedGen C0346153, MONDO:0016419, OMIM 114480. Disease mechanism: loss of function.
Malignant tumor of breast. Also called: Malignant breast neoplasm; Cancer breast. Identifiers: MedGen C0006142, MONDO:0007254. Disease mechanism: loss of function.

Allele frequency attached by ClinVar (database versions not stated): gnomAD exomes below 0.00001; ExAC 0.00001; gnomAD 0.00001; TOPMed 0.00001.
gnomAD v4.1: 2 of 1,606,024 alleles (0.00012%); highest among the groups gnomAD compares: Non-Finnish European, 0.00017%; no homozygotes.

Submissions (3):

Labcorp Genetics (formerly Invitae), Labcorp
Classification: Likely benign for Familial cancer of breast. Last evaluated: 2026-01-08. Review status: criteria provided, single submitter. Criteria: Invitae Variant Classification Sherloc (09022015). Collection method: clinical testing. Allele origin: germline.

Institute for Clinical Genetics, University Hospital TU Dresden, University Hospital TU Dresden
Classification: Uncertain significance. Last evaluated: 2021-11-03. Review status: criteria provided, single submitter. Criteria: ACMG Guidelines, 2015. Collection method: clinical testing. Allele origin: germline.

Department of Pathology and Laboratory Medicine, Sinai Health System
Classification: Uncertain significance for Malignant tumor of breast. Review status: no assertion criteria provided. Collection method: clinical testing. Allele origin: unknown. Affected: yes. Study: The Canadian Open Genetics Repository (COGR). Not counted in ClinVar's aggregate classification.
Comment: The BARD1 c.1904-12T>G variant was not identified in the literature nor was it identified in the ClinVar, Cosmic, or Zhejiang University databases. The variant was identified in dbSNP (ID: rs774178253). The variant was identified in control databases in 1 of 120770 chromosomes at a frequency of 0. 000008 (Exome Aggregation Consortium, August 8th 2016), specifically in the European population in 1 of 66366 chromosomes (freq: 0. 00002), while the variant was not observed in the African, Other, Latino, Ashkenazi Jewish, East Asian, Finnish, or South Asian populations. The c.1904-12T>G variant is located in the 3' splice region but does not affect the invariant -1 and -2 positions. However, positions -3 and -5 to -12 are part of the splicing consensus sequence and variants involving these positions sometimes affect splicing. In addition, 3 of 4 in silico or computational prediction software programs (SpliceSiteFinder, MaxEntScan, NNSPLICE, GeneSplicer) predict a greater than 10% difference in splicing. In summary, based on the above information, the clinical significance of this variant cannot be determined with certainty at this time. This variant is classified as a variant of uncertain significance.

NM_000465.4(BARD1):c.1904-12T>G

Gene: BARD1 (BRCA1 associated RING domain 1; minus strand). Cytogenetic location: 2q35.
Variant type: single nucleotide variant.
Coding change: c.1904-12T>G on transcript NM_000465.4 (MANE Select); 12 bases into the intron before coding-DNA position 1904, T replaced by G.
Molecular consequence: intron variant.
Genome position (GRCh38, 1-based): chr2:214,730,520, A>C on the plus strand (T>G on the coding strand, the complement: BARD1 is on the minus strand). VCF-style: chr2-214730520-A-C. GRCh37 (hg19) VCF-style: chr2-215595244-A-C.
Other names: c.494-12T>G (NM_001282548.2); c.1847-12T>G (NM_001282543.2); c.551-12T>G (NM_001282545.2); c.365-12T>G (NM_001282549.2).
Identifiers: ClinVar variation 1050317 (VCV001050317.13), dbSNP rs774178253, ClinGen allele CA2090120.